The following is an entry in ClinVar:

NM_018026.4(PACS1):c.2293+6G>C

Gene: PACS1 (phosphofurin acidic cluster sorting protein 1; plus strand). Cytogenetic location: 11q13.2.
Variant type: single nucleotide variant.
Coding change: c.2293+6G>C on transcript NM_018026.4 (MANE Select); 6 bases into the intron after coding-DNA position 2293, G replaced by C.
Molecular consequence: intron variant.
Genome position (GRCh38, 1-based): chr11:66,238,852, G>C. VCF-style: chr11-66238852-G-C. GRCh37 (hg19) VCF-style: chr11-66006323-G-C.
Other names: p.?.
Identifiers: ClinVar variation 129871 (VCV000129871.19), dbSNP rs476551, ClinGen allele CA154215.

ClinVar aggregate classification (germline): Benign. Review status: criteria provided, multiple submitters, no conflicts (2 of 4 stars). 5 submissions from 5 submitters: Benign (4). 1 of the submissions does not count toward it. Last evaluated 2026-02-03.

Conditions:
Schuurs-Hoeijmakers syndrome. Also called: PACS1-Related Neurodevelopmental Disorder. Identifiers: Orphanet 329224, MedGen C3554343, MONDO:0014006, OMIM 615009.

Allele frequency attached by ClinVar (database versions not stated): gnomAD 0.20802 and 0.20949; TOPMed 0.21213; ExAC 0.24239; gnomAD exomes 0.17720; ESP Exome Variant Server 0.20548; 1000 Genomes Project 0.22724; 1000 Genomes Project 30x 0.22642.

Submissions (5):

Labcorp Genetics (formerly Invitae), Labcorp
Classification: Benign for Schuurs-Hoeijmakers syndrome. Last evaluated: 2026-02-03. Review status: criteria provided, single submitter. Criteria: Invitae Variant Classification Sherloc (09022015). Collection method: clinical testing. Allele origin: germline.

Mayo Clinic Laboratories, Mayo Clinic
Classification: Benign. Last evaluated: 2021-11-29. Review status: criteria provided, single submitter. Criteria: ACMG Guidelines, 2015. Collection method: clinical testing. Allele origin: germline. Observed: 82 variant alleles.

GeneDx
Classification: Benign. Last evaluated: 2018-07-03. Review status: criteria provided, single submitter. Criteria: GeneDx Variant Classification Process June 2021. Collection method: clinical testing. Allele origin: germline. Affected: yes.

Breakthrough Genomics
Classification: Benign. Review status: criteria provided, single submitter. Criteria: ACMG Guidelines, 2015. Collection method: not provided. Allele origin: germline. Inheritance: Autosomal dominant inheritance. Affected: yes.

Genetic Services Laboratory, University of Chicago
Classification: Likely benign for AllHighlyPenetrant. Review status: no assertion criteria provided. Collection method: clinical testing. Allele origin: germline. Inheritance: Autosomal dominant inheritance. Not counted in ClinVar's aggregate classification.
Comment: Likely benign based on allele frequency in 1000 Genomes Project or ESP global frequency and its presence in a patient with a rare or unrelated disease phenotype. NOT Sanger confirmed.